The following is an entry in ClinVar:

NC_000012.12:g.132473326G>A

Gene: MUC8 (mucin 8; minus strand). Cytogenetic location: 12q24.33.
Variant type: single nucleotide variant.
Genome position: GRCh38 VCF-style: chr12-132473326-G-A. GRCh37 (hg19) VCF-style: chr12-133049912-G-A.
Identifiers: ClinVar variation 2643641 (VCV002643641.24), dbSNP rs201915076, ClinGen allele CA6890613.

ClinVar aggregate classification (germline): Likely benign (1 of 4 stars; one submission).

Allele frequency attached by ClinVar (database versions not stated): gnomAD 0.00077; ExAC 0.00244.

Submission:

CeGaT Center for Human Genetics Tuebingen
Classification: Likely benign. Last evaluated: 2023-08-01. Review status: criteria provided, single submitter. Criteria: CeGaT Center For Human Genetics Tuebingen Variant Classification Criteria Version 2. Collection method: clinical testing. Allele origin: germline. Affected: yes. Observed: 1 variant allele.
Comment: MUC8: BP4, BP7